The following is an entry in ClinVar:

NM_001203.3(BMPR1B):c.*3303G>A

Gene: BMPR1B (bone morphogenetic protein receptor type 1B; plus strand). Cytogenetic location: 4q22.3.
Variant type: single nucleotide variant.
Coding change: c.*3303G>A on transcript NM_001203.3 (MANE Select); 3303 bases downstream of the stop codon, G replaced by A.
Molecular consequence: 3 prime UTR variant.
Genome position (GRCh38, 1-based): chr4:95,157,976, G>A. VCF-style: chr4-95157976-G-A. GRCh37 (hg19) VCF-style: chr4-96079127-G-A.
Other names: c.*3303G>A (NM_001256792.2, NM_001256793.2, NM_001256794.1).
Identifiers: ClinVar variation 350178 (VCV000350178.6), dbSNP rs12505161, ClinGen allele CA10622044.

ClinVar aggregate classification (germline): Benign. Review status: criteria provided, multiple submitters, no conflicts (2 of 4 stars). 2 submissions from 2 submitters: Benign (2). Last evaluated 2018-01-13.

Conditions:
Brachydactyly. Also called: Brachydactyly syndrome; Brachydactyly (disease). Identifiers: MedGen C0221357, MONDO:0021004, HP:0001156.

Allele frequency attached by ClinVar (database versions not stated): 1000 Genomes Project 0.02456; 1000 Genomes Project 30x 0.02545; gnomAD 0.02964 and 0.03077; TOPMed 0.03039.

Submissions (2):

Illumina Laboratory Services, Illumina
Classification: Benign for Brachydactyly. Last evaluated: 2018-01-13. Review status: criteria provided, single submitter. Criteria: ICSL Variant Classification Criteria 13 December 2019. Collection method: clinical testing. Allele origin: germline.
Comment: This variant was observed in the ICSL laboratory as part of a predisposition screen in an ostensibly healthy population. It had not been previously curated by ICSL or reported in the Human Gene Mutation Database (HGMD: prior to June 1st, 2018), and was therefore a candidate for classification through an automated scoring system. Utilizing variant allele frequency, disease prevalence and penetrance estimates, and inheritance mode, an automated score was calculated to assess if this variant is too frequent to cause the disease. Based on the score and internal cut-off values, a variant classified as benign is not then subjected to further curation. The score for this variant resulted in a classification of benign for this disease.

Breakthrough Genomics
Classification: Benign. Review status: criteria provided, single submitter. Criteria: ACMG Guidelines, 2015. Collection method: not provided. Allele origin: germline. Inheritance: Autosomal recessive inheritance. Affected: yes.